The following is an entry in ClinVar:

NM_201253.3(CRB1):c.3137C>T (p.Ser1046Phe)

Gene: CRB1 (crumbs cell polarity complex component 1; plus strand). Cytogenetic location: 1q31.3.
Variant type: single nucleotide variant.
Coding change: c.3137C>T on transcript NM_201253.3 (MANE Select); coding-DNA position 3137, C replaced by T.
Protein change: p.Ser1046Phe; replaces serine 1046 with phenylalanine.
Molecular consequence: missense variant. On other transcripts: non-coding transcript variant (2), intron variant (1).
Genome position (GRCh38, 1-based): chr1:197,435,000, C>T. VCF-style: chr1-197435000-C-T. GRCh37 (hg19) VCF-style: chr1-197404130-C-T.
Other names: c.3137C>T (NM_201253.2); c.2801C>T, p.Ser934Phe (NM_001193640.2); c.3065C>T, p.Ser1022Phe (NM_001257965.2); c.2129-600C>T (NM_001257966.2); short protein forms S1046F, S1022F, S934F.
Identifiers: ClinVar variation 1384341 (VCV001384341.6), dbSNP rs1665065652, ClinGen allele CA344045907.

ClinVar aggregate classification (germline): Uncertain significance. Review status: criteria provided, multiple submitters, no conflicts (2 of 4 stars). 6 submissions from 4 submitters: Uncertain significance (6). Last evaluated 2024-11-08.

Conditions:
Leber congenital amaurosis 8 (LCA8). Identifiers: Orphanet 65, MedGen C3151202, MONDO:0013453, OMIM 613835.
Retinitis pigmentosa 12 (RP12). Also called: RP WITH OR WITHOUT PRESERVED PARAARTERIOLE RETINAL PIGMENT EPITHELIUM; RETINITIS PIGMENTOSA WITH OR WITHOUT PARAARTERIOLAR PRESERVATION OF RETINAL PIGMENT EPITHELIUM; RP WITH OR WITHOUT PPRPE. Identifiers: Orphanet 791, MedGen C1838647, MONDO:0010818, OMIM 600105.
Inborn genetic diseases. Identifiers: MedGen C0950123, MeSH D030342.
Pigmented paravenous retinochoroidal atrophy. Identifiers: Orphanet 251295, MedGen C1868310, MONDO:0008246, OMIM 172870.

Allele frequency attached by ClinVar (database versions not stated): TOPMed below 0.00001.

Submissions (6):

Blueprint Genetics
Classification: Uncertain significance. Last evaluated: 2024-11-08. Review status: criteria provided, single submitter. Criteria: ACMG Guidelines, 2015. Collection method: clinical testing. Allele origin: germline.

Genome-Nilou Lab
Classification: Uncertain significance for Leber congenital amaurosis 8. Last evaluated: 2023-04-11. Review status: criteria provided, single submitter. Criteria: ACMG Guidelines, 2015. Collection method: clinical testing. Allele origin: germline. Affected: no.

Genome-Nilou Lab
Classification: Uncertain significance for Pigmented paravenous retinochoroidal atrophy. Last evaluated: 2023-04-11. Review status: criteria provided, single submitter. Criteria: ACMG Guidelines, 2015. Collection method: clinical testing. Allele origin: germline. Affected: no.

Genome-Nilou Lab
Classification: Uncertain significance for Retinitis pigmentosa 12. Last evaluated: 2023-04-11. Review status: criteria provided, single submitter. Criteria: ACMG Guidelines, 2015. Collection method: clinical testing. Allele origin: germline. Affected: no.

Ambry Genetics
Classification: Uncertain significance for Inborn genetic diseases. Last evaluated: 2023-03-07. Review status: criteria provided, single submitter. Criteria: Ambry Variant Classification Scheme 2023. Collection method: clinical testing. Allele origin: germline.

Labcorp Genetics (formerly Invitae), Labcorp
Classification: Uncertain significance for Leber congenital amaurosis 8; Retinitis pigmentosa 12. Last evaluated: 2021-11-01. Review status: criteria provided, single submitter. Criteria: Invitae Variant Classification Sherloc (09022015). Collection method: clinical testing. Allele origin: germline.
Comment: This sequence change replaces serine, which is neutral and polar, with phenylalanine, which is neutral and non-polar, at codon 1046 of the CRB1 protein (p.Ser1046Phe). This variant is not present in population databases (gnomAD no frequency). This variant has not been reported in the literature in individuals affected with CRB1-related conditions. Advanced modeling of protein sequence and biophysical properties (such as structural, functional, and spatial information, amino acid conservation, physicochemical variation, residue mobility, and thermodynamic stability) performed at Invitae indicates that this missense variant is expected to disrupt CRB1 protein function. In summary, the available evidence is currently insufficient to determine the role of this variant in disease. Therefore, it has been classified as a Variant of Uncertain Significance.